The following is an entry in ClinVar:

NM_015378.4(VPS13D):c.9390A>G (p.Arg3130=)

Gene: VPS13D (vacuolar protein sorting 13 homolog D; plus strand). Cytogenetic location: 1p36.22.
Variant type: single nucleotide variant.
Coding change: c.9390A>G on transcript NM_015378.4 (MANE Select); coding-DNA position 9390, A replaced by G.
Protein change: p.Arg3130=; no amino-acid change (arginine 3130 retained).
Molecular consequence: synonymous variant.
Genome position (GRCh38, 1-based): chr1:12,349,333, A>G. VCF-style: chr1-12349333-A-G. GRCh37 (hg19) VCF-style: chr1-12409390-A-G.
Other names: p.Arg3130=; c.9315A>G, p.Arg3105= (NM_018156.4).
Identifiers: ClinVar variation 1569701 (VCV001569701.9), dbSNP rs376271930, ClinGen allele CA603414.
Genomic context (GRCh38, chr1:12,349,333, plus strand): 5'-TAAGGCTCCCATTCATTGGACCAATGTAGTGAAGACTGCAGAAATTAGTAGCAGTAAACG[A>G]GAGTGCCACTCTATGGACACAGAAAAAAGCCGATTTTTCAGGTATGTAGCACCACTGCAG-3'
Protein context (NP_056193.2, residues 3120-3140): VKTAEISSSK[Arg3130=]ECHSMDTEKS

ClinVar aggregate classification (germline): Likely benign. Review status: criteria provided, multiple submitters, no conflicts (2 of 4 stars). 2 submissions from 2 submitters: Likely benign (2). Last evaluated 2025-10-18.

Allele frequency attached by ClinVar (database versions not stated): ESP Exome Variant Server 0.00008; gnomAD 0.00009 and 0.00010; ExAC 0.00010; TOPMed 0.00013; gnomAD exomes 0.00014 and 0.00017; 1000 Genomes Project 0.00020; 1000 Genomes Project 30x 0.00031.
gnomAD v4.1: 270 of 1,614,144 alleles (0.017%); highest among the groups gnomAD compares: Non-Finnish European, 0.019%; 1 homozygote.

Submissions (2):

Mayo Clinic Laboratories, Mayo Clinic
Classification: Likely benign. Last evaluated: 2025-10-18. Review status: criteria provided, single submitter. Criteria: ACMG Guidelines, 2015. Collection method: clinical testing. Allele origin: germline. Observed: 3 variant alleles.
Comment: BP4, BP7

Labcorp Genetics (formerly Invitae), Labcorp
Classification: Likely benign. Last evaluated: 2025-07-13. Review status: criteria provided, single submitter. Criteria: Invitae Variant Classification Sherloc (09022015). Collection method: clinical testing. Allele origin: germline.